The following is an entry in ClinVar:

NM_033360.4(KRAS):c.-12+18C>T

Genes: KRAS (KRAS proto-oncogene, GTPase; minus strand), LOC130007561 (ATAC-STARR-seq lymphoblastoid silent region 4294; plus strand). Cytogenetic location: 12p12.1.
Variant type: single nucleotide variant.
Coding change: c.-12+18C>T on transcript NM_033360.4 (MANE Plus Clinical); 18 bases into the intron after 12 bases upstream of the start codon, C replaced by T.
Molecular consequence: intron variant.
Genome position (GRCh38, 1-based): chr12:25,250,733, G>A on the plus strand (C>T on the coding strand, the complement: KRAS is on the minus strand). VCF-style: chr12-25250733-G-A. GRCh37 (hg19) VCF-style: chr12-25403667-G-A.
Other names: c.-12+18C>T (LRG_344t2, LRG_344t1, NM_004985.5); c.-12+31C>T (NM_001369787.1, NM_001369786.1).
Identifiers: ClinVar variation 138064 (VCV000138064.1), dbSNP rs61759618, ClinGen allele CA291861.
Genomic context (GRCh38, chr12:25,250,733, plus strand): 5'-CGCCGCCGGCCCCGCCCGGCGCCGGCAAAGAGGGTCGGGACCCGGGCAGGGGCCCAGGAG[G>A]GGTGGTCCGCTCCGTACCTCTCTCCCGCACCTGGGAGCCGCTGAGCCTCTGGCCCCGCCG-3'

ClinVar aggregate classification (germline): Benign (1 of 4 stars; one submission).

Allele frequency attached by ClinVar (database versions not stated): gnomAD exomes 0.00257; gnomAD 0.01958 and 0.02105; TOPMed 0.02200; 1000 Genomes Project 30x 0.02483; 1000 Genomes Project 0.02496.
gnomAD v4.1: 3,073 of 189,594 alleles (1.6%); highest among the groups gnomAD compares: African/African-American, 6.7%; 77 homozygotes.

Submission:

GeneDx
Classification: Benign. Last evaluated: 2012-04-02. Review status: criteria provided, single submitter. Criteria: GeneDx Variant Classification (06012015). Collection method: clinical testing. Allele origin: germline. Affected: yes.
Comment: This variant is considered likely benign or benign based on one or more of the following criteria: it is a conservative change, it occurs at a poorly conserved position in the protein, it is predicted to be benign by multiple in silico algorithms, and/or has population frequency not consistent with disease.